The following is an entry in ClinVar:

NM_006648.4(WNK2):c.2068G>C (p.Ala690Pro)

Gene: WNK2 (WNK lysine deficient protein kinase 2; plus strand). Cytogenetic location: 9q22.31.
Variant type: single nucleotide variant.
Coding change: c.2068G>C on transcript NM_006648.4 (MANE Select); coding-DNA position 2068, G replaced by C.
Protein change: p.Ala690Pro; replaces alanine 690 with proline.
Molecular consequence: missense variant.
Genome position (GRCh38, 1-based): chr9:93,256,332, G>C. VCF-style: chr9-93256332-G-C. GRCh37 (hg19) VCF-style: chr9-96018614-G-C.
Other names: c.2068G>C, p.Ala690Pro (NM_001282394.3); short protein forms A690P.
Identifiers: ClinVar variation 2560773 (VCV002560773.3), dbSNP rs776341036, ClinGen allele CA5129495.

ClinVar aggregate classification (germline): Uncertain significance (1 of 4 stars; one submission).

Allele frequency attached by ClinVar (database versions not stated): ExAC 0.00005.
gnomAD v4.1: 14 of 1,582,392 alleles (0.00088%); highest among the groups gnomAD compares: East Asian, 0.032%; no homozygotes.

Submission:

Ambry Genetics
Classification: Uncertain significance. Last evaluated: 2024-11-18. Review status: criteria provided, single submitter. Criteria: Ambry Variant Classification Scheme 2023. Collection method: clinical testing. Allele origin: germline.
Comment: The p.A690P variant (also known as c.2068G>C), located in coding exon 9 of the WNK2 gene, results from a G to C substitution at nucleotide position 2068. The alanine at codon 690 is replaced by proline, an amino acid with highly similar properties. This amino acid position is conserved. In addition, this alteration is predicted to be tolerated by in silico analysis. Based on the available evidence, the clinical significance of this variant remains unclear.